The following is an entry in ClinVar:

NR_001564.3(XIST):n.5655T>G

Gene: XIST (X inactive specific transcript; minus strand). Cytogenetic location: Xq13.2.
Variant type: single nucleotide variant.
Molecular consequence: non-coding transcript variant (on NR_001564.3).
Genome position: GRCh38 VCF-style: chrX-73847060-A-C. GRCh37 (hg19) VCF-style: chrX-73066895-A-C.
Identifiers: ClinVar variation 4995884 (VCV004995884.1).

ClinVar aggregate classification (germline): Uncertain significance (1 of 4 stars; one submission).

Conditions:
XIST-related disorder. Also called: XIST-related condition.

Submission:

PreventionGenetics, part of Exact Sciences
Classification: Uncertain significance for XIST-related condition. Last evaluated: 2026-05-04. Review status: criteria provided, single submitter. Criteria: ACMG Guidelines, 2015. Collection method: clinical testing. Allele origin: germline.
Comment: The XIST n.5694T>G is a noncoding alteration. To our knowledge, this variant has not been reported in the literature or in a large population database (gnomAD), indicating this variant is rare. At this time, the clinical significance of this variant is uncertain due to the absence of conclusive functional and genetic evidence.